The following is an entry in ClinVar:

ClinVar aggregate classification (germline): Uncertain significance. Review status: criteria provided, multiple submitters, no conflicts (2 of 4 stars). 2 submissions from 2 submitters: Uncertain significance (2). Last evaluated 2025-06-17.

Conditions:
Inborn genetic diseases. Identifiers: MedGen C0950123, MeSH D030342.

Allele frequency attached by ClinVar (database versions not stated): gnomAD exomes below 0.00001.
gnomAD v4.1: 1 of 1,613,994 alleles (0.000062%); highest among the groups gnomAD compares: South Asian, 0.0011%; no homozygotes.

Submissions (2):

Ambry Genetics
Classification: Uncertain significance for Inborn genetic diseases. Last evaluated: 2025-06-17. Review status: criteria provided, single submitter. Criteria: Ambry Variant Classification Scheme 2023. Collection method: clinical testing. Allele origin: germline.

GeneDx
Classification: Uncertain significance. Last evaluated: 2019-04-04. Review status: criteria provided, single submitter. Criteria: GeneDx Variant Classification Process June 2021. Collection method: clinical testing. Allele origin: germline. Affected: yes.
Comment: Not observed in large population cohorts (Lek et al., 2016); In silico analysis, which includes protein predictors and evolutionary conservation, supports that this variant does not alter protein structure/function; Has not been previously published as pathogenic or benign to our knowledge

NM_001382347.1(MYO5A):c.4000G>C (p.Glu1334Gln)

Gene: MYO5A (myosin VA; minus strand). Cytogenetic location: 15q21.2.
Variant type: single nucleotide variant.
Coding change: c.4000G>C on transcript NM_001382347.1 (MANE Select); coding-DNA position 4000, G replaced by C.
Protein change: p.Glu1334Gln; replaces glutamic acid 1334 with glutamine.
Molecular consequence: missense variant. On other transcripts: intron variant (1).
Genome position (GRCh38, 1-based): chr15:52,343,157, C>G on the plus strand (G>C on the coding strand, the complement: MYO5A is on the minus strand). VCF-style: chr15-52343157-C-G. GRCh37 (hg19) VCF-style: chr15-52635354-C-G.
Other names: c.4072G>C, p.Glu1358Gln (NM_001382348.1, NM_001382349.1); c.3960-2763G>C (NM_001142495.2); c.4000G>C, p.Glu1334Gln (NM_000259.3); short protein forms E1334Q, E1358Q.
Identifiers: ClinVar variation 1308383 (VCV001308383.3), dbSNP rs2039458912, ClinGen allele CA392510520.
Genomic context (GRCh38, chr15:52,343,157, plus strand): 5'-TTTGAGGAGACAAATATAACCTGTTGGCTTGTTTTAACCCTTCATAAACCAGCCACAGCT[C>G]TCCATCCTCATTCAACTCATGGTAATCCAGAGCAGATGATCTTCCATGCAAAAGGAACAA-3'
Protein context (NP_001369276.1, residues 1324-1344): LDYHELNEDG[Glu1334Gln]LWLVYEGLKQ